The following is an entry in ClinVar:

NM_004168.4(SDHA):c.1568C>G (p.Ala523Gly)

Gene: SDHA (succinate dehydrogenase complex flavoprotein subunit A; plus strand). Cytogenetic location: 5p15.33.
Variant type: single nucleotide variant.
Coding change: c.1568C>G on transcript NM_004168.4 (MANE Select); coding-DNA position 1568, C replaced by G.
Protein change: p.Ala523Gly; replaces alanine 523 with glycine.
Molecular consequence: missense variant. On other transcripts: intron variant (1).
Genome position (GRCh38, 1-based): chr5:251,008, C>G. VCF-style: chr5-251008-C-G. GRCh37 (hg19) VCF-style: chr5-251123-C-G.
Other names: c.1424C>G, p.Ala475Gly (NM_001294332.2); c.1552-3385C>G (NM_001330758.2); c.1568C>G (NM_004168.3); short protein forms A475G, A523G.
Identifiers: ClinVar variation 1042947 (VCV001042947.12), dbSNP rs1736785630, ClinGen allele CA358998445.

ClinVar aggregate classification (germline): Uncertain significance. Review status: criteria provided, multiple submitters, no conflicts (2 of 4 stars). 4 submissions from 4 submitters: Uncertain significance (4). Last evaluated 2024-10-28.

Conditions:
Pheochromocytoma/paraganglioma syndrome 5. Also called: Paragangliomas 5; SDHA-Related Hereditary Paraganglioma-Pheochromocytoma Syndrome. Identifiers: Orphanet 29072, MedGen C3279992, MONDO:0013602, OMIM 614165.
Mitochondrial complex II deficiency, nuclear type 1. Also called: SUCCINATE CoQ REDUCTASE DEFICIENCY. Identifiers: Orphanet 3208, MedGen C5700310, MONDO:0100294, OMIM 252011.
Hereditary cancer-predisposing syndrome. Also called: Neoplastic Syndromes, Hereditary; Tumor predisposition; Hereditary Cancer Syndrome; Hereditary neoplastic syndrome. Identifiers: Orphanet 140162, MedGen C0027672, MeSH D009386, MONDO:0015356.

gnomAD v4.1: 1 of 1,611,962 alleles (0.000062%); highest among the groups gnomAD compares: Non-Finnish European, 0.000085%; no homozygotes.

Submissions (4):

Quest Diagnostics Nichols Institute San Juan Capistrano
Classification: Uncertain significance. Last evaluated: 2024-10-28. Review status: criteria provided, single submitter. Criteria: Quest Diagnostics criteria. Collection method: clinical testing. Allele origin: unknown.
Comment: The SDHA c.1568C>G (p.Ala523Gly) variant has not been reported in individuals with SDHA-related conditions in the published literature. It also has not been reported in large, multi-ethnic general populations (Genome Aggregation Database). Analysis of this variant using bioinformatics tools for the prediction of the effect of amino acid changes on protein structure and function yielded conflicting predictions that this variant is benign or damaging. Based on the available information, we are unable to determine the clinical significance of this variant.

Ambry Genetics
Classification: Uncertain significance for Hereditary cancer-predisposing syndrome. Last evaluated: 2024-10-23. Review status: criteria provided, single submitter. Criteria: Ambry Variant Classification Scheme 2023. Collection method: clinical testing. Allele origin: germline.
Comment: The p.A523G variant (also known as c.1568C>G), located in coding exon 12 of the SDHA gene, results from a C to G substitution at nucleotide position 1568. The alanine at codon 523 is replaced by glycine, an amino acid with similar properties. This amino acid position is conserved. In addition, the in silico prediction for this alteration is inconclusive. Since supporting evidence is limited at this time, the clinical significance of this alteration remains unclear.

Labcorp Genetics (formerly Invitae), Labcorp
Classification: Uncertain significance for Pheochromocytoma/paraganglioma syndrome 5; Mitochondrial complex II deficiency, nuclear type 1. Last evaluated: 2024-07-02. Review status: criteria provided, single submitter. Criteria: Invitae Variant Classification Sherloc (09022015). Collection method: clinical testing. Allele origin: germline.
Comment: This sequence change replaces alanine, which is neutral and non-polar, with glycine, which is neutral and non-polar, at codon 523 of the SDHA protein (p.Ala523Gly). This variant is not present in population databases (gnomAD no frequency). This variant has not been reported in the literature in individuals affected with SDHA-related conditions. ClinVar contains an entry for this variant (Variation ID: 1042947). Advanced modeling of protein sequence and biophysical properties (such as structural, functional, and spatial information, amino acid conservation, physicochemical variation, residue mobility, and thermodynamic stability) has been performed at Invitae for this missense variant, however the output from this modeling did not meet the statistical confidence thresholds required to predict the impact of this variant on SDHA protein function. In summary, the available evidence is currently insufficient to determine the role of this variant in disease. Therefore, it has been classified as a Variant of Uncertain Significance.

GeneDx
Classification: Uncertain significance. Last evaluated: 2024-05-14. Review status: criteria provided, single submitter. Criteria: GeneDx Variant Classification Process June 2021. Collection method: clinical testing. Allele origin: germline.
Comment: Not observed at significant frequency in large population cohorts (gnomAD); In silico analysis supports that this missense variant has a deleterious effect on protein structure/function; Has not been previously published as pathogenic or benign to our knowledge